The following is an entry in ClinVar:

ClinVar aggregate classification (germline): Uncertain significance. Review status: criteria provided, multiple submitters, no conflicts (2 of 4 stars). 3 submissions from 3 submitters: Uncertain significance (3). Last evaluated 2024-11-12.

Conditions:
DICER1-related tumor predisposition. Also called: DICER1 syndrome; DICER1-related pleuropulmonary blastoma cancer predisposition syndrome. Identifiers: Orphanet 284343, MedGen C3839822, MONDO:0100216.
DICER1-related disorder. Also called: DICER1-related condition.
Hereditary cancer-predisposing syndrome. Also called: Neoplastic Syndromes, Hereditary; Hereditary neoplastic syndrome; Hereditary Cancer Syndrome; Tumor predisposition. Identifiers: Orphanet 140162, MedGen C0027672, MeSH D009386, MONDO:0015356.

Allele frequency attached by ClinVar (database versions not stated): ExAC 0.00001; TOPMed 0.00001; gnomAD 0.00003 and 0.00004.
gnomAD v4.1: 8 of 1,613,942 alleles (0.0005%); highest among the groups gnomAD compares: African/African-American, 0.0093%; no homozygotes.

Submissions (3):

Labcorp Genetics (formerly Invitae), Labcorp
Classification: Uncertain significance for DICER1-related tumor predisposition. Last evaluated: 2024-11-12. Review status: criteria provided, single submitter. Criteria: Invitae Variant Classification Sherloc (09022015). Collection method: clinical testing. Allele origin: germline.
Comment: This sequence change replaces isoleucine, which is neutral and non-polar, with valine, which is neutral and non-polar, at codon 528 of the DICER1 protein (p.Ile528Val). This variant is present in population databases (rs755649018, gnomAD 0.01%). This variant has not been reported in the literature in individuals affected with DICER1-related conditions. ClinVar contains an entry for this variant (Variation ID: 654457). Invitae Evidence Modeling of protein sequence and biophysical properties (such as structural, functional, and spatial information, amino acid conservation, physicochemical variation, residue mobility, and thermodynamic stability) indicates that this missense variant is not expected to disrupt DICER1 protein function with a negative predictive value of 95%. In summary, the available evidence is currently insufficient to determine the role of this variant in disease. Therefore, it has been classified as a Variant of Uncertain Significance.

Ambry Genetics
Classification: Uncertain significance for Hereditary cancer-predisposing syndrome. Last evaluated: 2024-09-30. Review status: criteria provided, single submitter. Criteria: Ambry Variant Classification Scheme 2023. Collection method: clinical testing. Allele origin: germline.
Comment: The p.I528V variant (also known as c.1582A>G), located in coding exon 9 of the DICER1 gene, results from an A to G substitution at nucleotide position 1582. The isoleucine at codon 528 is replaced by valine, an amino acid with highly similar properties. This amino acid position is highly conserved in available vertebrate species. In addition, this alteration is predicted to be tolerated by in silico analysis. Since supporting evidence is limited at this time, the clinical significance of this alteration remains unclear.

PreventionGenetics, part of Exact Sciences
Classification: Uncertain significance for DICER1-related condition. Last evaluated: 2023-04-07. Review status: criteria provided, single submitter. Criteria: ACMG Guidelines, 2015. Collection method: clinical testing. Allele origin: germline.
Comment: The DICER1 c.1582A>G variant is predicted to result in the amino acid substitution p.Ile528Val. To our knowledge, this variant has not been reported in the literature. This variant is reported in 0.0080% of alleles in individuals of African descent in gnomAD and is reported as uncertain in ClinVar. At this time, the clinical significance of this variant is uncertain due to the absence of conclusive functional and genetic evidence.

NM_177438.3(DICER1):c.1582A>G (p.Ile528Val)

Gene: DICER1 (dicer 1, ribonuclease III; minus strand). Cytogenetic location: 14q32.13.
Variant type: single nucleotide variant.
Coding change: c.1582A>G on transcript NM_177438.3 (MANE Select); coding-DNA position 1582, A replaced by G.
Protein change: p.Ile528Val; replaces isoleucine 528 with valine.
Molecular consequence: missense variant.
Genome position (GRCh38, 1-based): chr14:95,116,623, T>C on the plus strand (A>G on the coding strand, the complement: DICER1 is on the minus strand). VCF-style: chr14-95116623-T-C. GRCh37 (hg19) VCF-style: chr14-95582960-T-C.
Other names: c.1582A>G, p.Ile528Val (NM_001195573.1, NM_001271282.3, NM_001291628.2 and 1 more transcripts); short protein forms I528V.
Identifiers: ClinVar variation 654457 (VCV000654457.18), dbSNP rs755649018, ClinGen allele CA7331450.